The following is an entry in ClinVar:

ClinVar aggregate classification (germline): Uncertain significance (1 of 4 stars; one submission).

Submission:

GeneDx
Classification: Uncertain significance. Last evaluated: 2025-05-08. Review status: criteria provided, single submitter. Criteria: GeneDx Variant Classification Process June 2021. Collection method: clinical testing. Allele origin: germline. Affected: yes.
Comment: This variant is associated with the following publications: (PMID: 12938084)

NM_000138.5(FBN1):c.2758G>C (p.Val920Leu)

Gene: FBN1 (fibrillin 1; minus strand). Cytogenetic location: 15q21.1.
Variant type: single nucleotide variant.
Coding change: c.2758G>C on transcript NM_000138.5 (MANE Select); coding-DNA position 2758, G replaced by C.
Protein change: p.Val920Leu; replaces valine 920 with leucine.
Molecular consequence: missense variant.
Genome position (GRCh38, 1-based): chr15:48,492,557, C>G on the plus strand (G>C on the coding strand, the complement: FBN1 is on the minus strand). VCF-style: chr15-48492557-C-G. GRCh37 (hg19) VCF-style: chr15-48784754-C-G.
Other names: c.2758G>C, p.Val920Leu (NM_001406716.1); short protein forms V920L.
Identifiers: ClinVar variation 4527996 (VCV004527996.1).